The following is an entry in ClinVar:

ClinVar aggregate classification (germline): Uncertain significance (1 of 4 stars; one submission).

Conditions:
Inborn genetic diseases. Identifiers: MedGen C0950123, MeSH D030342.

gnomAD v4.1: 3 of 1,612,832 alleles (0.00019%); highest among the groups gnomAD compares: Non-Finnish European, 0.00025%; no homozygotes.

Submission:

Ambry Genetics
Classification: Uncertain significance for Inborn genetic diseases. Last evaluated: 2026-03-02. Review status: criteria provided, single submitter. Criteria: Ambry Variant Classification Scheme 2023. Collection method: clinical testing. Allele origin: germline.
Comment: The c.1667C>T (p.S556L) alteration is located in exon 16 (coding exon 16) of the DLG4 gene. This alteration results from a C to T substitution at nucleotide position 1667, causing the serine (S) at amino acid position 556 to be replaced by a leucine (L). Based on data from gnomAD, the T allele has an overall frequency of <0.001% (0/246940) total alleles studied. The highest observed frequency was <0.001% (/) of alleles. Based on insufficient or conflicting evidence, the clinical significance of this alteration remains unclear.

NM_001321075.3(DLG4):c.1538C>T (p.Ser513Leu)

Gene: DLG4 (discs large MAGUK scaffold protein 4; minus strand). Cytogenetic location: 17p13.1.
Variant type: single nucleotide variant.
Coding change: c.1538C>T on transcript NM_001321075.3 (MANE Select); coding-DNA position 1538, C replaced by T.
Protein change: p.Ser513Leu; replaces serine 513 with leucine.
Molecular consequence: missense variant. On other transcripts: non-coding transcript variant (1).
Genome position (GRCh38, 1-based): chr17:7,193,849, G>A on the plus strand (C>T on the coding strand, the complement: DLG4 is on the minus strand). VCF-style: chr17-7193849-G-A. GRCh37 (hg19) VCF-style: chr17-7097168-G-A.
Other names: c.1529C>T, p.Ser510Leu (NM_001128827.4); c.1658C>T, p.Ser553Leu (NM_001321074.1); c.1358C>T, p.Ser453Leu (NM_001321076.3, NM_001321077.3); c.1667C>T, p.Ser556Leu (NM_001365.5); c.1457C>T, p.Ser486Leu (NM_001369566.3); short protein forms S513L, S556L, S453L, S486L, S510L, S553L.
Identifiers: ClinVar variation 4840847 (VCV004840847.1).
Genomic context (GRCh38, chr17:7,193,849, plus strand): 5'-CAAAAGCAACTCAGTGCTCCTCTCACCCACATCTTCCCGAACTAACCCTACCTACCCTGC[G>A]ATCCAGAGCTGGAGCCCCAGTCCTAAGAAGAAAAAGCAGGCCACGGGGTTAGTTATGAGC-3'
Protein context (NP_001308004.1, residues 503-523): KAKDWGSSSG[Ser513Leu]QGREDSVLSY